The following continues an entry in ClinVar:

NM_032043.3(BRIP1):c.1045G>C (p.Ala349Pro)

Gene: BRIP1. ClinVar aggregate classification (germline): Pathogenic/Likely pathogenic. Pathogenic (2); Likely pathogenic (12).

Submissions 7 to 17 of 17:

Ambry Genetics
Classification: Likely pathogenic for Hereditary cancer-predisposing syndrome. Last evaluated: 2025-02-03. Review status: criteria provided, single submitter. Criteria: Ambry Variant Classification Scheme 2023. Collection method: clinical testing. Allele origin: germline.
Comment: The p.A349P variant (also known as c.1045G>C), located in coding exon 7 of the BRIP1 gene, results from a G to C substitution at nucleotide position 1045. The alanine at codon 349 is replaced by proline, an amino acid with highly similar properties. Genetic analysis revealed that the fetus carried this alteration as well as the p.R798* nonsense mutation in the BRIP1 gene (Levran O et al. Nat. Genet. 2005; 37:931-3). This alteration has also been identified in patients with ovarian cancer in multiple separate studies (Kanchi KL et al. Nat Commun. 2014; 5:3156; Carter NJ et al. Gynecol. Oncol., 2018 12;151:481-488; Moyer CL et al. Cancer Res. 2020 Feb 2015;80(4):857-867). This alteration was observed within 1 of 64523 individuals with a personal history of breast cancer (Easton DF et al. J Med Genet, 2016 May;53:298-309). This variant was also reported in 4/60,466 breast cancer cases and in 1/53,461 controls (Dorling et al. N Engl J Med. 2021 02;384:428-439). Functional studies revealed that this alteration has significantly impaired helicase activity leading to decreased cell survival upon exposure to DNA damaging agents (Wu Y et al. Blood. 2010; 116(19):3780-91; Sommers JA et al. J. Biol. Chem. 2014 Jul; 289(29):19928-41). Furthermore, this alteration is able to act in a dominant-negative fashion in BRIP1-sufficient cells (Wu Y et al. Blood. 2010; 116(19):3780-91). The functional impairment of this alteration is likely due to the disruption of a critical iron-sulfur cluster domain which is conserved in other members of this helicase family of proteins (Rudolf J et al. Mol. Cell. 2006 Sep; 23(6):801-8; internal structural analysis). This amino acid position is well conserved in available vertebrate species. In addition, this alteration is predicted to be deleterious by in silico analysis. Based on the majority of available evidence to date, this variant is likely to be pathogenic.

GeneDx
Classification: Likely pathogenic. Last evaluated: 2025-01-31. Review status: criteria provided, single submitter. Criteria: GeneDx Variant Classification Process June 2021. Collection method: clinical testing. Allele origin: germline. Affected: yes.
Comment: A case-control study has found a significant association with breast and ovarian cancer, with the risk being particularly strong for ovarian cancer, and not statistically significant for breast cancer alone (PMID: 36169650); In silico analysis supports that this missense variant has a deleterious effect on protein structure/function; Not observed at significant frequency in large population cohorts (gnomAD); This variant is associated with the following publications: (PMID: 26790966, 24728327, 29922827, 21345144, 16973432, 25374583, 27107905, 24895130, 20980836, 26596371, 26921362, 28911102, 30322717, 31822495, 29019354, 35245693, 23935105, 33619228, 32542039, 34585738, 32427313, 24448499, 20639400, 33471991, Milano2023[Pre-Print], 34301788, 38781545, 16116424, 36446039, 36169650, 39096152)

Blueprint Genetics
Classification: Likely pathogenic for BRIP1-related disorders. Last evaluated: 2024-08-14. Review status: criteria provided, single submitter. Criteria: ACMG Guidelines, 2015. Collection method: clinical testing. Allele origin: germline. Affected: yes. Observed: 2 variant alleles.

Baylor Genetics
Classification: Likely pathogenic for Familial cancer of breast. Last evaluated: 2024-02-29. Review status: criteria provided, single submitter. Criteria: ACMG Guidelines, 2015. Collection method: clinical testing. Allele origin: unknown.

Institute for Biomarker Research, Medical Diagnostic Laboratories, L.L.C.
Classification: Likely pathogenic for Hereditary cancer-predisposing syndrome. Last evaluated: 2023-12-12. Review status: criteria provided, single submitter. Criteria: ACMG Guidelines, 2015. Collection method: clinical testing. Allele origin: germline.

Sema4
Classification: Likely pathogenic for Hereditary cancer-predisposing syndrome. Last evaluated: 2021-12-13. Review status: criteria provided, single submitter. Criteria: Sema4 Curation Guidelines. Collection method: curation. Allele origin: germline.
Comment: The BRIP1 c.1045G>C (p.A349P) variant has been reported in heterozygosity in multiple individuals with breast cancer and/or ovarian cancer (PMID: 24448499, 30322717, 31822495, 32427313, 26921362). This variant has been reported in compound heterozygosity with a pathogenic truncation variant in an individual affected with Fanconi anemia (PMID: 16116426). This variant has also been reported in a large case-control study of breast cancer in 3/60466 cases and 2/53461 controls (PMID: 33471991). Functional studies have shown that this variant protein destabilizes the Fe-S cluster, abolishes helicase activity, and exerts a dominant-negative effect, indicating that the mutant protein interferes with normal DNA metabolism (PMID: 16973432, 20639400, 28911102, 20980836). This variant was observed in 3/24968 chromosomes in the African/African American population, according to the Genome Aggregation Database (PMID: 32461654). This variant has been reported in ClinVar (Variation ID: 30535). Based on the current evidence available, this variant is interpreted as likely pathogenic.

Revvity Omics, Revvity
Classification: Likely pathogenic for Fanconi anemia complementation group J. Last evaluated: 2019-05-07. Review status: criteria provided, single submitter. Criteria: ACMG Guidelines, 2015. Collection method: clinical testing. Allele origin: germline.

St. Jude Molecular Pathology, St. Jude Children's Research Hospital
Classification: Likely pathogenic for Diffuse intrinsic pontine glioma. Last evaluated: 2016-01-15. Review status: criteria provided, single submitter. Criteria: ACMG Guidelines, 2015. Collection method: clinical testing. Allele origin: germline. Affected: yes.

ITMI
No classification provided. Condition: AllHighlyPenetrant. Last evaluated: 2013-09-19. Review status: no classification provided. Collection method: reference population. Allele origin: germline. Not counted in ClinVar's aggregate classification.
Comment: Please see associated publication for description of ethnicities

Leiden Open Variation Database
Classification: Pathogenic for Fanconi anemia complementation group J. Last evaluated: 2011-02-07. Review status: no assertion criteria provided. Collection method: curation. Allele origin: germline. Affected: yes. Not counted in ClinVar's aggregate classification.
Comment: Curator: Arleen D. Auerbach. Submitter to LOVD: Arleen D. Auerbach.

OMIM
Classification: Pathogenic for FANCONI ANEMIA, COMPLEMENTATION GROUP J. Last evaluated: 2010-11-11. Review status: no assertion criteria provided. Collection method: literature only. Allele origin: germline. Not counted in ClinVar's aggregate classification.

Literature cited by the submitters: PubMed 16116424 (cited by 6 submitters); PubMed 24448499 (cited by 5 submitters); PubMed 30322717 (cited by 5 submitters); PubMed 31822495 (cited by 4 submitters); PubMed 34585738 (cited by 3 submitters); PubMed 36446039 (cited by Labcorp Genetics (formerly Invitae), Labcorp and Women's Health and Genetics/Laboratory Corporation of America, LabCorp); PubMed 16973432 (cited by 5 submitters); PubMed 20639400 (cited by 7 submitters); PubMed 27107905 (cited by 4 submitters); PubMed 33619228 (cited by Labcorp Genetics (formerly Invitae), Labcorp); PubMed 24728327 (cited by Women's Health and Genetics/Laboratory Corporation of America, LabCorp and ITMI); PubMed 26315354 (cited by Women's Health and Genetics/Laboratory Corporation of America, LabCorp); PubMed 26689913 (cited by Women's Health and Genetics/Laboratory Corporation of America, LabCorp); PubMed 28911102 (cited by Women's Health and Genetics/Laboratory Corporation of America, LabCorp and Sema4); PubMed 31341520 (cited by Women's Health and Genetics/Laboratory Corporation of America, LabCorp and Color Diagnostics, LLC DBA Color Health); PubMed 24895130 (cited by 3 submitters); PubMed 31265121 (cited by Women's Health and Genetics/Laboratory Corporation of America, LabCorp and Color Diagnostics, LLC DBA Color Health); PubMed 32542039 (cited by Women's Health and Genetics/Laboratory Corporation of America, LabCorp); PubMed 16116426 (cited by Color Diagnostics, LLC DBA Color Health and Sema4); PubMed 20980836 (cited by Color Diagnostics, LLC DBA Color Health and Sema4); PubMed 23935105 (cited by Color Diagnostics, LLC DBA Color Health); PubMed 33471991 (cited by 3 submitters); PubMed 26790966 (cited by Ambry Genetics); PubMed 26921362 (cited by Ambry Genetics and Sema4); PubMed 32427313 (cited by Sema4).